The following is an entry in ClinVar:

ClinVar aggregate classification (germline): Pathogenic. Review status: criteria provided, multiple submitters, no conflicts (2 of 4 stars). 2 submissions from 2 submitters: Pathogenic (2). Last evaluated 2018-07-11.

Conditions:
Hereditary cancer-predisposing syndrome. Also called: Neoplastic Syndromes, Hereditary; Tumor predisposition; Hereditary neoplastic syndrome; Hereditary Cancer Syndrome. Identifiers: Orphanet 140162, MedGen C0027672, MeSH D009386, MONDO:0015356.
Hereditary breast ovarian cancer syndrome. Also called: Hereditary breast and ovarian cancer syndrome; Hereditary breast and ovarian cancer syndrome (HBOC); BRCA1- and BRCA2-Associated Hereditary Breast and Ovarian Cancer; Hereditary breast and/or ovarian cancer syndrome; Hereditary breast and ovarian cancer; Breast and ovarian cancer. Identifiers: Orphanet 145, MedGen C0677776, MeSH D061325, MONDO:0003582. Disease mechanism: loss of function.

Submissions (2):

Labcorp Genetics (formerly Invitae), Labcorp
Classification: Pathogenic for Hereditary breast ovarian cancer syndrome. Last evaluated: 2018-07-11. Review status: criteria provided, single submitter. Criteria: Invitae Variant Classification Sherloc (09022015). Collection method: clinical testing. Allele origin: germline.
Comment: For these reasons, this variant has been classified as Pathogenic. Loss-of-function variants in BRCA1 are known to be pathogenic (PMID: 20104584). This variant has not been reported in the literature in individuals with BRCA1-related disease. This variant is not present in population databases (ExAC no frequency). This sequence change creates a premature translational stop signal (p.Glu1013Asnfs*4) in the BRCA1 gene. It is expected to result in an absent or disrupted protein product.

Ambry Genetics
Classification: Pathogenic for Hereditary cancer-predisposing syndrome. Last evaluated: 2017-12-22. Review status: criteria provided, single submitter. Criteria: Ambry Variant Classification Scheme 2023. Collection method: clinical testing. Allele origin: germline.
Comment: The c.3033_3034delAA pathogenic mutation, located in coding exon 9 of the BRCA1 gene, results from a deletion of two nucleotides at nucleotide positions 3033 to 3034, causing a translational frameshift with a predicted alternate stop codon (p.E1013Nfs*4). This alteration is expected to result in loss of function by premature protein truncation or nonsense-mediated mRNA decay. As such, this alteration is interpreted as a disease-causing mutation.

Literature cited by the submitters: PubMed 20104584 (cited by Labcorp Genetics (formerly Invitae), Labcorp).

NM_007294.4(BRCA1):c.3033_3034del (p.Glu1013fs)

Gene: BRCA1 (BRCA1 DNA repair associated; minus strand). Cytogenetic location: 17q21.31.
Variant type: Deletion.
Coding change: c.3033_3034del on transcript NM_007294.4 (MANE Select); coding-DNA positions 3033 to 3034, 2 bases deleted (AA; older notation c.3033_3034delAA).
Protein change: p.Glu1013fs; shifts the reading frame from glutamic acid 1013.
Molecular consequence: frameshift variant. On other transcripts: intron variant (137).
Genome position (GRCh38, 1-based): chr17:43,092,497-43,092,498, TT deleted on the plus strand (AA on the coding strand, the reverse complement: BRCA1 is on the minus strand); deleting any 2 consecutive bases within chr17:43,092,497-43,092,499 gives the same sequence; the c. name uses the placement nearest the transcript's 3' end. VCF-style (leftmost placement, unchanged base first): chr17-43092496-CTT-C. GRCh37 (hg19) VCF-style: chr17-41244513-CTT-C.
Other names: c.575-1466_575-1465del (NM_001408490.1, NM_001408491.1, NM_001408493.1); c.791-1475_791-1474del (NM_001408406.1); c.2820_2821del, p.Glu942fs (NM_001407915.1, NM_001407916.1, NM_001407917.1 and 9 more transcripts); c.2910_2911del, p.Glu972fs (NM_001407919.1, NM_001407648.1, NM_001407664.1 and 19 more transcripts); c.2769_2770del, p.Glu925fs (NM_001407921.1, NM_001407922.1, NM_001407926.1 and 9 more transcripts); c.3033_3034delAA (NM_007294.3); c.3033_3034del, p.Glu1013fs (NM_001407581.1, NM_001407582.1, NM_001407583.1 and 30 more transcripts); c.3030_3031del, p.Glu1012fs (NM_001407587.1, NM_001407590.1, NM_001407591.1 and 22 more transcripts); and 42 more; short protein forms E1013fs, E966fs, E885fs, E942fs, E1010fs, E845fs, E902fs, E945fs.
Identifiers: ClinVar variation 580620 (VCV000580620.13), dbSNP rs1567793163, ClinGen allele CA891843730.